The following is an entry in ClinVar:

ClinVar aggregate classification (germline): Uncertain significance (1 of 4 stars; one submission).

Conditions:
RASopathy. Also called: rasopathies; Noonan spectrum disorder. Identifiers: Orphanet 536391, MedGen C5555857, MONDO:0021060.

Submission:

Labcorp Genetics (formerly Invitae), Labcorp
Classification: Uncertain significance for RASopathy. Last evaluated: 2025-05-28. Review status: criteria provided, single submitter. Criteria: Invitae Variant Classification Sherloc (09022015). Collection method: clinical testing. Allele origin: germline.
Comment: This sequence change replaces phenylalanine, which is neutral and non-polar, with leucine, which is neutral and non-polar, at codon 11 of the SOS1 protein (p.Phe11Leu). This variant is not present in population databases (gnomAD no frequency). This variant has not been reported in the literature in individuals affected with SOS1-related conditions. ClinVar contains an entry for this variant (Variation ID: 1016854). Invitae Evidence Modeling of protein sequence and biophysical properties (such as structural, functional, and spatial information, amino acid conservation, physicochemical variation, residue mobility, and thermodynamic stability) has been performed for this missense variant. However, the output from this modeling did not meet the statistical confidence thresholds required to predict the impact of this variant on SOS1 protein function. In summary, the available evidence is currently insufficient to determine the role of this variant in disease. Therefore, it has been classified as a Variant of Uncertain Significance.

NM_005633.4(SOS1):c.31T>C (p.Phe11Leu)

Genes: SOS1 (SOS Ras/Rac guanine nucleotide exchange factor 1; minus strand), LOC129933535 (ATAC-STARR-seq lymphoblastoid silent region 11384; plus strand). Cytogenetic location: 2p22.1.
Variant type: single nucleotide variant.
Coding change: c.31T>C on transcript NM_005633.4 (MANE Select); coding-DNA position 31, T replaced by C.
Protein change: p.Phe11Leu; replaces phenylalanine 11 with leucine.
Molecular consequence: missense variant. On other transcripts: intron variant (1).
Genome position (GRCh38, 1-based): chr2:39,120,392, A>G on the plus strand (T>C on the coding strand, the complement: SOS1 is on the minus strand). VCF-style: chr2-39120392-A-G. GRCh37 (hg19) VCF-style: chr2-39347533-A-G.
Other names: c.31T>C, p.Phe11Leu (NM_001382395.1); c.66+4272T>C (NM_001382394.1); short protein forms F11L.
Identifiers: ClinVar variation 1016854 (VCV001016854.9), dbSNP rs1673826301, ClinGen allele CA346374736.
Genomic context (GRCh38, chr2:39,120,392, plus strand): 5'-TCACCTTTTTCAGCGCAGGCACCAGTAGTCCCCGCCACTTGGGCGCGTTCTCTTCGCTGA[A>G]AAACTCGTAGGGCAGCTGCTGCGCCTGCATGGTGCCCCCGGGGCGCCTCTGGGCGGGGAG-3'
Protein context (NP_005624.2, residues 1-21): MQAQQLPYEF[Phe11Leu]SEENAPKWRG